The following is an entry in ClinVar:

NM_000070.3(CAPN3):c.853G>T (p.Glu285Ter)

Gene: CAPN3 (calpain 3; plus strand). Cytogenetic location: 15q15.1.
Variant type: single nucleotide variant.
Coding change: c.853G>T on transcript NM_000070.3 (MANE Select); coding-DNA position 853, G replaced by T.
Protein change: p.Glu285Ter; replaces glutamic acid 285 with a stop codon.
Molecular consequence: nonsense. On other transcripts: intron variant (1).
Genome position (GRCh38, 1-based): chr15:42,390,004, G>T. VCF-style: chr15-42390004-G-T. GRCh37 (hg19) VCF-style: chr15-42682202-G-T.
Other names: c.853G>T, p.Glu285Ter (NM_024344.2); c.592G>T, p.Glu198Ter (NM_212464.2); c.*546G>T (NM_212467.2); c.801+908G>T (NM_173087.2); short protein forms E198*, E285*.
Identifiers: ClinVar variation 2680394 (VCV002680394.3), dbSNP rs2548262153, ClinGen allele CA391998532.
Genomic context (GRCh38, chr15:42,390,004, plus strand): 5'-GGGCCTCAGGATGGCACGAACATGACCTATGGAACCTCTCCTTCTGGTCTGAACATGGGG[G>T]AGTTGATTGCACGGATGGTAAGGAATATGGATAACTCACTGCTCCAGGACTCAGACCTCG-3'

ClinVar aggregate classification (germline): Pathogenic. Review status: criteria provided, multiple submitters, no conflicts (2 of 4 stars). 3 submissions from 3 submitters: Pathogenic (3). Last evaluated 2025-12-01.

Conditions:
Muscular dystrophy, limb-girdle, autosomal dominant 4. Also called: Calpain-3-related limb-girdle muscular dystrophy D4; MUSCULAR DYSTROPHY, LIMB-GIRDLE, TYPE 1I. Identifiers: Orphanet 565909, MedGen C4748295, MONDO:0029133, OMIM 618129.
Autosomal recessive limb-girdle muscular dystrophy type 2A (LGMDR1). Also called: Limb-girdle muscular dystrophy, type 2A; Calpainopathy; LEYDEN-MOEBIUS MUSCULAR DYSTROPHY; MUSCULAR DYSTROPHY, PELVOFEMORAL; Muscular dystrophy, limb-girdle, type 2A, Amish. Identifiers: Orphanet 267, MedGen C1869123, MONDO:0009675, OMIM 253600. Disease mechanism: loss of function.

Submissions (3):

Myriad Genetics, Inc.
Classification: Pathogenic for Autosomal recessive limb-girdle muscular dystrophy type 2A. Last evaluated: 2025-12-01. Review status: criteria provided, single submitter. Criteria: Myriad Autosomal Dominant, Autosomal Recessive and X-Linked Classification Criteria (2023). Collection method: clinical testing. Allele origin: unknown.
Comment: NM_000070.2(CAPN3):c.853G>T(E285*) is a nonsense variant classified as pathogenic in the context of calpainopathy. E285* has been observed in a case with relevant disease (PMID: 18337726). Relevant functional assessments of this variant are not available in the literature. E285* has not been observed in referenced population frequency databases. In summary, NM_000070.2(CAPN3):c.853G>T(E285*) is a nonsense variant in a gene where loss of function is a known mechanism of disease, is predicted to disrupt protein function, and has been observed more frequently in cases with the relevant disease than in healthy populations. Please note: this variant was assessed in the context of healthy population screening.

Kariminejad - Najmabadi Pathology & Genetics Center
Classification: Pathogenic for Autosomal recessive limb-girdle muscular dystrophy type 2A. Last evaluated: 2022-05-05. Review status: criteria provided, single submitter. Criteria: ACMG Guidelines, 2015. Collection method: clinical testing. Allele origin: germline. Inheritance: Autosomal recessive inheritance. Affected: yes.
Comment: PVS1,PM2, PM3

Baylor Genetics
Classification: Pathogenic for Muscular dystrophy, limb-girdle, autosomal dominant 4. Last evaluated: 2022-03-10. Review status: criteria provided, single submitter. Criteria: ACMG Guidelines, 2015. Collection method: clinical testing. Allele origin: unknown.

Literature cited by the submitters: PubMed 18337726 (cited by Myriad Genetics, Inc.).